The following is an entry in ClinVar:

ClinVar aggregate classification (germline): Uncertain significance. Review status: criteria provided, multiple submitters, no conflicts (2 of 4 stars). 2 submissions from 2 submitters: Uncertain significance (2). Last evaluated 2025-12-20.

Conditions:
CHARGE syndrome (CHARGE). Also called: Coloboma, heart anomaly, choanal atresia, retardation, genital and ear anomalies; CHARGE association; Hall-Hittner syndrome; Hittner Hirsch Kreh syndrome; CHARGE ASSOCIATION--COLOBOMA, HEART ANOMALY, CHOANAL ATRESIA, RETARDATION, GENITAL AND EAR ANOMALIES. Identifiers: Orphanet 138, MedGen C0265354, MONDO:0008965.

Allele frequency attached by ClinVar (database versions not stated): ExAC 0.00001; gnomAD exomes 0.00001.
gnomAD v4.1: 6 of 1,613,848 alleles (0.00037%); highest among the groups gnomAD compares: Admixed American, 0.0017%; no homozygotes.

Submissions (2):

Labcorp Genetics (formerly Invitae), Labcorp
Classification: Uncertain significance for CHARGE syndrome. Last evaluated: 2025-12-20. Review status: criteria provided, single submitter. Criteria: Invitae Variant Classification Sherloc (09022015). Collection method: clinical testing. Allele origin: germline.
Comment: This sequence change replaces valine, which is neutral and non-polar, with alanine, which is neutral and non-polar, at codon 441 of the SEMA3E protein (p.Val441Ala). This variant is present in population databases (rs765714534, gnomAD 0.002%). This variant has not been reported in the literature in individuals affected with SEMA3E-related conditions. ClinVar contains an entry for this variant (Variation ID: 1519762). Invitae Evidence Modeling of protein sequence and biophysical properties (such as structural, functional, and spatial information, amino acid conservation, physicochemical variation, residue mobility, and thermodynamic stability) indicates that this missense variant is not expected to disrupt SEMA3E protein function with a negative predictive value of 80%. In summary, the available evidence is currently insufficient to determine the role of this variant in disease. Therefore, it has been classified as a Variant of Uncertain Significance.

Ambry Genetics
Classification: Uncertain significance. Last evaluated: 2025-08-03. Review status: criteria provided, single submitter. Criteria: Ambry Variant Classification Scheme 2023. Collection method: clinical testing. Allele origin: germline.

NM_012431.3(SEMA3E):c.1322T>C (p.Val441Ala)

Gene: SEMA3E (semaphorin 3E; minus strand). Cytogenetic location: 7q21.11.
Variant type: single nucleotide variant.
Coding change: c.1322T>C on transcript NM_012431.3 (MANE Select); coding-DNA position 1322, T replaced by C.
Protein change: p.Val441Ala; replaces valine 441 with alanine.
Molecular consequence: missense variant.
Genome position (GRCh38, 1-based): chr7:83,400,072, A>G on the plus strand (T>C on the coding strand, the complement: SEMA3E is on the minus strand). VCF-style: chr7-83400072-A-G. GRCh37 (hg19) VCF-style: chr7-83029388-A-G.
Other names: c.1322T>C (NM_012431.2); c.1142T>C, p.Val381Ala (NM_001178129.2); short protein forms V441A, V381A.
Identifiers: ClinVar variation 1519762 (VCV001519762.9), dbSNP rs765714534, ClinGen allele CA4322065.